The following is an entry in ClinVar:

NM_000719.7(CACNA1C):c.1391-2484C>T

Gene: CACNA1C (calcium voltage-gated channel subunit alpha1 C; plus strand). Cytogenetic location: 12p13.33.
Variant type: single nucleotide variant.
Coding change: c.1391-2484C>T on transcript NM_000719.7 (MANE Select); 2484 bases into the intron before coding-DNA position 1391, C replaced by T.
Molecular consequence: intron variant.
Genome position (GRCh38, 1-based): chr12:2,547,459, C>T. VCF-style: chr12-2547459-C-T. GRCh37 (hg19) VCF-style: chr12-2656625-C-T.
Other names: c.1391-2484C>T (NM_001167624.3, NM_001167623.2, NM_001167625.2 and 18 more transcripts); c.1382-2484C>T (NM_001129844.2).
Identifiers: ClinVar variation 191564 (VCV000191564.2), dbSNP rs60106875, ClinGen allele CA199915.

ClinVar aggregate classification (germline): Benign. Review status: criteria provided, multiple submitters, no conflicts (2 of 4 stars). 2 submissions from 2 submitters: Benign (2). Last evaluated 2025-04-09.

Allele frequency attached by ClinVar (database versions not stated): gnomAD exomes 0.00096; ExAC 0.00117; ESP Exome Variant Server 0.00366; gnomAD 0.00458 and 0.00498; TOPMed 0.00473; 1000 Genomes Project 0.00479; 1000 Genomes Project 30x 0.00484.
gnomAD v4.1: 1,034 of 779,644 alleles (0.13%); highest among the groups gnomAD compares: African/African-American, 1.6%; 3 homozygotes.

Submissions (2):

Molecular Diagnostic Laboratory for Inherited Cardiovascular Disease, Montreal Heart Institute
Classification: Benign. Last evaluated: 2025-04-09. Review status: criteria provided, single submitter. Criteria: ACMG Guidelines, 2015. Collection method: clinical testing. Allele origin: germline. Affected: no.

Biesecker Lab/Clinical Genomics Section, National Institutes of Health
Classification: Benign. Last evaluated: 2013-06-24. Review status: criteria provided, single submitter. Criteria: Ng et al. (Circ Cardiovasc Genet. 2013). Collection method: research. Allele origin: unknown. Observed: 1 variant allele. Study: ClinSeq.
Comment: The study set was not selected for affection status in relation to any cancer. Pathogenicity categories were based on literature curation. See Pubmed ID:23861362 for details.

Medical sequencing